The following is an entry in ClinVar:

NM_001370.2(DNAH6):c.786G>A (p.Leu262=)

Gene: DNAH6 (dynein axonemal heavy chain 6; plus strand). Cytogenetic location: 2p11.2.
Variant type: single nucleotide variant.
Coding change: c.786G>A on transcript NM_001370.2 (MANE Select); coding-DNA position 786, G replaced by A.
Protein change: p.Leu262=; no amino-acid change (leucine 262 retained).
Molecular consequence: synonymous variant.
Genome position (GRCh38, 1-based): chr2:84,544,356, G>A. VCF-style: chr2-84544356-G-A. GRCh37 (hg19) VCF-style: chr2-84771480-G-A.
Identifiers: ClinVar variation 402732 (VCV000402732.7), dbSNP rs1037863, ClinGen allele CA1736551.

ClinVar aggregate classification (germline): Benign. Review status: criteria provided, multiple submitters, no conflicts (2 of 4 stars). 3 submissions from 3 submitters: Benign (3). Last evaluated 2018-11-01.

Allele frequency attached by ClinVar (database versions not stated): ESP Exome Variant Server 0.91126; gnomAD 0.91739 and 0.92076; TOPMed 0.91773; 1000 Genomes Project 30x 0.92349; 1000 Genomes Project 0.92951; ExAC 0.94393; gnomAD exomes 0.94663 and 0.95309.
gnomAD v4.1: 1,458,338 of 1,544,810 alleles (94%); highest among the groups gnomAD compares: East Asian, 100%; 689,075 homozygotes.

Submissions (3):

GeneDx
Classification: Benign. Last evaluated: 2018-11-01. Review status: criteria provided, single submitter. Criteria: GeneDx Variant Classification Process June 2021. Collection method: clinical testing. Allele origin: germline. Affected: yes.

Laboratory for Molecular Medicine, Mass General Brigham Personalized Medicine
Classification: Benign. Last evaluated: 2016-03-28. Review status: criteria provided, single submitter. Criteria: LMM Criteria. Collection method: clinical testing. Allele origin: germline.
Comment: Variant identified in a genome or exome case(s) and assessed due to predicted null impact of the variant or pathogenic assertions in the literature or databases. Disclaimer: This variant has not undergone full assessment. The following are preliminary notes: Frequency

Breakthrough Genomics
Classification: Benign. Review status: criteria provided, single submitter. Criteria: ACMG Guidelines, 2015. Collection method: not provided. Allele origin: germline. Inheritance: Unknown mechanism. Affected: yes.